The following is an entry in ClinVar:

ClinVar aggregate classification (germline): Conflicting classifications of pathogenicity. Review status: criteria provided, conflicting classifications (1 of 4 stars). 10 submissions from 10 submitters: Uncertain significance (9); Benign (1). Last evaluated 2026-01-30.

Conditions:
Hereditary nonpolyposis colorectal neoplasms. Identifiers: MedGen C0009405, MeSH D003123.
Mismatch repair cancer syndrome 3. Identifiers: MedGen C5436807, MONDO:0030841, OMIM 619097.
Hereditary cancer-predisposing syndrome. Also called: Tumor predisposition; Hereditary neoplastic syndrome; Hereditary Cancer Syndrome; Neoplastic Syndromes, Hereditary. Identifiers: Orphanet 140162, MedGen C0027672, MeSH D009386, MONDO:0015356.
Lynch syndrome. Identifiers: Orphanet 144, MedGen C4552100, MONDO:0005835. Disease mechanism: loss of function.

Allele frequency attached by ClinVar (database versions not stated): gnomAD 0.00001; gnomAD exomes below 0.00001; TOPMed below 0.00001.
gnomAD v4.1: 2 of 1,614,006 alleles (0.00012%); highest among the groups gnomAD compares: Non-Finnish European, 0.00017%; no homozygotes.

Submissions (10):

Labcorp Genetics (formerly Invitae), Labcorp
Classification: Benign for Hereditary nonpolyposis colorectal neoplasms. Last evaluated: 2026-01-30. Review status: criteria provided, single submitter. Criteria: Invitae Variant Classification Sherloc (09022015). Collection method: clinical testing. Allele origin: germline.

Dasa
Classification: Uncertain significance. Last evaluated: 2025-12-10. Review status: criteria provided, single submitter. Criteria: DASA Assertion Criteria. Collection method: clinical testing. Allele origin: germline.
Comment: NM_000179.3(MSH6):c.2693C>G (p.Pro898Arg) is a missense variant that results in the substitution of proline with arginine. This variant is rare in population databases. The currently available literature and clinical evidence are not sufficient to establish a definitive association between this variant and the reported condition. Therefore, this variant is classified as a variant of uncertain significance.

Ambry Genetics
Classification: Uncertain significance for Hereditary cancer-predisposing syndrome. Last evaluated: 2025-09-04. Review status: criteria provided, single submitter. Criteria: Ambry Variant Classification Scheme 2023. Collection method: clinical testing. Allele origin: germline.
Comment: The p.P898R variant (also known as c.2693C>G), located in coding exon 4 of the MSH6 gene, results from a C to G substitution at nucleotide position 2693. The proline at codon 898 is replaced by arginine, an amino acid with dissimilar properties. This alteration was detected in a cohort of 1663 Brazilian breast cancer patients who underwent hereditary multigene panel testing (Guindalini RSC et al. Sci Rep, 2022 Mar;12:4190). This amino acid position is well conserved in available vertebrate species. In addition, the in silico prediction for this alteration is inconclusive. Since supporting evidence is limited at this time, the clinical significance of this alteration remains unclear.

Clinical Genetics Laboratory, Skane University Hospital Lund
Classification: Uncertain significance. Last evaluated: 2023-10-23. Review status: criteria provided, single submitter. Criteria: ACMG Guidelines, 2015. Collection method: clinical testing. Allele origin: germline. Affected: yes.

Department of Pathology and Laboratory Medicine, Sinai Health System
Classification: Uncertain significance for Mismatch repair cancer syndrome 3. Last evaluated: 2023-09-29. Review status: criteria provided, single submitter. Criteria: ACMG Guidelines, 2015. Collection method: clinical testing. Allele origin: germline. Affected: yes.

All of Us Research Program, National Institutes of Health
Classification: Uncertain significance for Lynch syndrome. Last evaluated: 2023-08-23. Review status: criteria provided, single submitter. Criteria: ACMG Guidelines, 2015. Collection method: clinical testing. Allele origin: germline. Inheritance: Autosomal dominant inheritance. Observed: 1 variant allele, 1 heterozygote.
Comment: This missense variant replaces proline with arginine at codon 898 of the MSH6 protein. Computational prediction tools and conservation analyses are inconclusive regarding the impact of this variant on the protein function. Computational splicing tools suggest that this variant may not impact RNA splicing. To our knowledge, functional assays have not been performed for this variant nor has this variant been reported in individuals affected with hereditary cancer in the literature. This variant has not been identified in the general population by the Genome Aggregation Database (gnomAD). Available evidence is insufficient to determine the role of this variant in disease conclusively. Therefore, this variant is classified as a Variant of Uncertain Significance.

This study involves interpretation of variants in research participants for the purpose of population health screening. Participant phenotype was not available at the time of variant classification. Additional details can be found in publication PMID: 35346344, PMCID: PMC8962531

Color Diagnostics, LLC DBA Color Health
Classification: Uncertain significance for Hereditary cancer-predisposing syndrome. Last evaluated: 2023-08-09. Review status: criteria provided, single submitter. Criteria: ACMG Guidelines, 2015. Collection method: clinical testing. Allele origin: germline.
Comment: This missense variant replaces proline with arginine at codon 898 of the MSH6 protein. Computational prediction is inconclusive regarding the impact of this variant on protein structure and function (internally defined REVEL score threshold 0.5 < inconclusive < 0.7, PMID: 27666373). To our knowledge, functional studies have not been reported for this variant. This variant has not been reported in individuals affected with MSH6-related disorders in the literature. This variant has not been identified in the general population by the Genome Aggregation Database (gnomAD). The available evidence is insufficient to determine the role of this variant in disease conclusively. Therefore, this variant is classified as a Variant of Uncertain Significance.

Women's Health and Genetics/Laboratory Corporation of America, LabCorp
Classification: Uncertain significance. Last evaluated: 2021-04-02. Review status: criteria provided, single submitter. Criteria: LabCorp Variant Classification Summary - May 2015. Collection method: clinical testing. Allele origin: germline.
Comment: Variant summary: MSH6 c.2693C>G (p.Pro898Arg) results in a non-conservative amino acid change located in the DNA mismatch repair protein MutS, core domain (IPR007696) of the encoded protein sequence. Three of five in-silico tools predict a damaging effect of the variant on protein function. The variant was absent in 250594 control chromosomes. The available data on variant occurrences in the general population are insufficient to allow any conclusion about variant significance. To our knowledge, no occurrence of c.2693C>G in individuals affected with Hereditary Nonpolyposis Colorectal Cancer/Lynch syndrome and no experimental evidence demonstrating its impact on protein function have been reported. Five clinical diagnostic laboratories have submitted clinical-significance assessments for this variant to ClinVar after 2014 without evidence for independent evaluation. All laboratories classified the variant as uncertain significance. Based on the evidence outlined above, the variant was classified as uncertain significance.

GeneDx
Classification: Uncertain significance. Last evaluated: 2018-12-21. Review status: criteria provided, single submitter. Criteria: GeneDx Variant Classification (06012015). Collection method: clinical testing. Allele origin: germline. Affected: yes.
Comment: This variant is denoted MSH6 c.2693C>G at the cDNA level, p.Pro898Arg (P898R) at the protein level, and results in the change of a Proline to an Arginine (CCT>CGT). This variant has not, to our knowledge, been published in the literature as a pathogenic or benign germline variant. MSH6 Pro898Arg was not observed in large population cohorts (Lek 2016). MSH6 Pro898Arg is located in the lever domain (Warren 2007, Kansikas 2011). In silico analysis, which includes protein predictors and evolutionary conservation, supports a deleterious effect. Based on currently available evidence, it is unclear whether MSH6 Pro898Arg is a pathogenic or benign variant. We consider it to be a variant of uncertain significance.

Mendelics
Classification: Uncertain significance for Lynch syndrome. Last evaluated: 2018-07-02. Review status: criteria provided, single submitter. Criteria: Mendelics Assertion Criteria 2017. Collection method: clinical testing. Allele origin: unknown.

Literature cited by the submitters: PubMed 35264596 (cited by Ambry Genetics).

NM_000179.3(MSH6):c.2693C>G (p.Pro898Arg)

Gene: MSH6 (mutS homolog 6; plus strand). Cytogenetic location: 2p16.3.
Variant type: single nucleotide variant.
Coding change: c.2693C>G on transcript NM_000179.3 (MANE Select); coding-DNA position 2693, C replaced by G.
Protein change: p.Pro898Arg; replaces proline 898 with arginine.
Molecular consequence: missense variant.
Genome position (GRCh38, 1-based): chr2:47,800,676, C>G. VCF-style: chr2-47800676-C-G. GRCh37 (hg19) VCF-style: chr2-48027815-C-G.
Other names: c.2303C>G, p.Pro768Arg (NM_001281492.2); c.1787C>G, p.Pro596Arg (NM_001281493.2, NM_001281494.2); short protein forms P898R, P596R, P768R.
Identifiers: ClinVar variation 234896 (VCV000234896.27), dbSNP rs876661281, ClinGen allele CA10577281.
Genomic context (GRCh38, chr2:47,800,676, plus strand): 5'-TTGCTGATGGTTTTAAGTCTAAAATCCTTAAGCAGGTCATCTCTCTGCAGACAAAAAATC[C>G]TGAAGGTCGTTTTCCTGATTTGACTGTAGAATTGAACCGATGGGATACAGCCTTTGACCA-3'
Protein context (NP_000170.1, residues 888-908): KQVISLQTKN[Pro898Arg]EGRFPDLTVE